The following is an entry in ClinVar:

ClinVar aggregate classification (germline): Uncertain significance. Review status: criteria provided, multiple submitters, no conflicts (2 of 4 stars). 2 submissions from 2 submitters: Uncertain significance (2). Last evaluated 2025-08-26.

Conditions:
Inborn genetic diseases. Identifiers: MedGen C0950123, MeSH D030342.

Allele frequency attached by ClinVar (database versions not stated): gnomAD 0.00001; TOPMed 0.00001; gnomAD exomes 0.00002; ExAC 0.00003; 1000 Genomes Project 30x 0.00016; 1000 Genomes Project 0.00020.
gnomAD v4.1: 34 of 1,614,014 alleles (0.0021%); highest among the groups gnomAD compares: South Asian, 0.02%; no homozygotes.

Submissions (2):

Ambry Genetics
Classification: Uncertain significance for Inborn genetic diseases. Last evaluated: 2025-08-26. Review status: criteria provided, single submitter. Criteria: Ambry Variant Classification Scheme 2023. Collection method: clinical testing. Allele origin: germline.

Labcorp Genetics (formerly Invitae), Labcorp
Classification: Uncertain significance. Last evaluated: 2021-12-22. Review status: criteria provided, single submitter. Criteria: Invitae Variant Classification Sherloc (09022015). Collection method: clinical testing. Allele origin: germline.
Comment: This sequence change replaces arginine, which is basic and polar, with cysteine, which is neutral and slightly polar, at codon 743 of the MYO5B protein (p.Arg743Cys). This variant is present in population databases (rs560075014, gnomAD 0.03%). This variant has not been reported in the literature in individuals affected with MYO5B-related conditions. Algorithms developed to predict the effect of missense changes on protein structure and function are either unavailable or do not agree on the potential impact of this missense change (SIFT: "Deleterious"; PolyPhen-2: "Probably Damaging"; Align-GVGD: "Class C0"). In summary, the available evidence is currently insufficient to determine the role of this variant in disease. Therefore, it has been classified as a Variant of Uncertain Significance.

NM_001080467.3(MYO5B):c.2227C>T (p.Arg743Cys)

Gene: MYO5B (myosin VB; minus strand). Cytogenetic location: 18q21.1.
Variant type: single nucleotide variant.
Coding change: c.2227C>T on transcript NM_001080467.3 (MANE Select); coding-DNA position 2227, C replaced by T.
Protein change: p.Arg743Cys; replaces arginine 743 with cysteine.
Molecular consequence: missense variant.
Genome position (GRCh38, 1-based): chr18:49,906,606, G>A on the plus strand (C>T on the coding strand, the complement: MYO5B is on the minus strand). VCF-style: chr18-49906606-G-A. GRCh37 (hg19) VCF-style: chr18-47432976-G-A.
Other names: c.2227C>T (NM_001080467.2); short protein forms R743C.
Identifiers: ClinVar variation 2168341 (VCV002168341.7), dbSNP rs560075014, ClinGen allele CA8961151.
Genomic context (GRCh38, chr18:49,906,606, plus strand): 5'-TGTCAGCCCGCAGCTTCTCCAGGTAGGCCACCTGGCCTGCTCGAAAGAAGATCTTGGTGC[G>A]GCCAAACTGGAACTTGTCGGGGTCCTTTACAAGGTAGGGAGGGGATCTGGTTGGTCACCA-3'
Protein context (NP_001073936.1, residues 733-753): IKDPDKFQFG[Arg743Cys]TKIFFRAGQV